The following is an entry in ClinVar:

NM_006080.3(SEMA3A):c.478T>A (p.Ser160Thr)

Gene: SEMA3A (semaphorin 3A; minus strand). Cytogenetic location: 7q21.11.
Variant type: single nucleotide variant.
Coding change: c.478T>A on transcript NM_006080.3 (MANE Select); coding-DNA position 478, T replaced by A.
Protein change: p.Ser160Thr; replaces serine 160 with threonine.
Molecular consequence: missense variant.
Genome position (GRCh38, 1-based): chr7:84,060,534, A>T on the plus strand (T>A on the coding strand, the complement: SEMA3A is on the minus strand). VCF-style: chr7-84060534-A-T. GRCh37 (hg19) VCF-style: chr7-83689850-A-T.
Other names: short protein forms S160T.
Identifiers: ClinVar variation 2356542 (VCV002356542.5), dbSNP rs142028375, ClinGen allele CA4322991.

ClinVar aggregate classification (germline): Uncertain significance. Review status: criteria provided, multiple submitters, no conflicts (2 of 4 stars). 2 submissions from 2 submitters: Uncertain significance (2). Last evaluated 2025-12-09.

Conditions:
SEMA3A-related disorder. Also called: SEMA3A-related condition.
Inborn genetic diseases. Identifiers: MedGen C0950123, MeSH D030342.

Allele frequency attached by ClinVar (database versions not stated): ExAC 0.00002; TOPMed 0.00006; gnomAD exomes 0.00009; ESP Exome Variant Server 0.00015.
gnomAD v4.1: 132 of 1,594,580 alleles (0.0083%); highest among the groups gnomAD compares: Non-Finnish European, 0.01%; no homozygotes.

Submissions (2):

PreventionGenetics, part of Exact Sciences
Classification: Uncertain significance for SEMA3A-related condition. Last evaluated: 2025-12-09. Review status: criteria provided, single submitter. Criteria: ACMG Guidelines, 2015. Collection method: clinical testing. Allele origin: germline.
Comment: The SEMA3A c.478T>A variant is predicted to result in the amino acid substitution p.Ser160Thr. To our knowledge, this variant has not been reported in the literature. This variant is reported in 0.041% of alleles in individuals of Ashkenazi Jewish descent in gnomAD, which may be too common to be an unreported disease causing variant. Although we suspect that this variant may be benign, at this time, the clinical significance of this variant is uncertain due to the absence of conclusive functional and genetic evidence.

Ambry Genetics
Classification: Uncertain significance for Inborn genetic diseases. Last evaluated: 2022-08-30. Review status: criteria provided, single submitter. Criteria: Ambry Variant Classification Scheme 2023. Collection method: clinical testing. Allele origin: germline.